The following is an entry in ClinVar:

ClinVar aggregate classification (germline): Uncertain significance (1 of 4 stars; one submission).

gnomAD v4.1: 1 of 1,613,974 alleles (0.000062%); highest among the groups gnomAD compares: Non-Finnish European, 0.000085%; no homozygotes.

Submission:

Labcorp Genetics (formerly Invitae), Labcorp
Classification: Uncertain significance. Last evaluated: 2026-01-28. Review status: criteria provided, single submitter. Criteria: Invitae Variant Classification Sherloc (09022015). Collection method: clinical testing. Allele origin: germline.
Comment: This sequence change replaces aspartic acid, which is acidic and polar, with glycine, which is neutral and non-polar, at codon 1591 of the HIVEP2 protein (p.Asp1591Gly). This variant is not present in population databases (gnomAD no frequency). This variant has not been reported in the literature in individuals affected with HIVEP2-related conditions. Invitae Evidence Modeling of protein sequence and biophysical properties (such as structural, functional, and spatial information, amino acid conservation, physicochemical variation, residue mobility, and thermodynamic stability) indicates that this missense variant is not expected to disrupt HIVEP2 protein function with a negative predictive value of 80%. In summary, the available evidence is currently insufficient to determine the role of this variant in disease. Therefore, it has been classified as a Variant of Uncertain Significance.

NM_006734.4(HIVEP2):c.4772A>G (p.Asp1591Gly)

Gene: HIVEP2 (HIVEP zinc finger 2; minus strand). Cytogenetic location: 6q24.2.
Variant type: single nucleotide variant.
Coding change: c.4772A>G on transcript NM_006734.4 (MANE Select); coding-DNA position 4772, A replaced by G.
Protein change: p.Asp1591Gly; replaces aspartic acid 1591 with glycine.
Molecular consequence: missense variant.
Genome position (GRCh38, 1-based): chr6:142,769,967, T>C on the plus strand (A>G on the coding strand, the complement: HIVEP2 is on the minus strand). VCF-style: chr6-142769967-T-C. GRCh37 (hg19) VCF-style: chr6-143091104-T-C.
Other names: c.4772A>G, p.Asp1591Gly (NM_001438449.1, NM_001438450.1, NM_001438451.1); short protein forms D1591G.
Identifiers: ClinVar variation 4742699 (VCV004742699.1).